The following is an entry in ClinVar:

NM_206926.2(SELENON):c.1295G>A (p.Arg432Gln)

Gene: SELENON (selenoprotein N; plus strand). Cytogenetic location: 1p36.11.
Variant type: single nucleotide variant.
Coding change: c.1295G>A on transcript NM_206926.2 (MANE Select); coding-DNA position 1295, G replaced by A.
Protein change: p.Arg432Gln; replaces arginine 432 with glutamine.
Molecular consequence: missense variant.
Genome position (GRCh38, 1-based): chr1:25,813,890, G>A. VCF-style: chr1-25813890-G-A. GRCh37 (hg19) VCF-style: chr1-26140381-G-A.
Other names: NM_020451.3(SELENON):c.1397G>A; c.1397G>A, p.Arg466Gln (NM_020451.3); short protein forms R466Q, R432Q.
Identifiers: ClinVar variation 4492 (VCV000004492.75), dbSNP rs121908185, ClinGen allele CA253170.

ClinVar aggregate classification (germline): Pathogenic/Likely pathogenic. Review status: criteria provided, multiple submitters, no conflicts (2 of 4 stars). 17 submissions from 17 submitters: Pathogenic (15); Likely pathogenic (1). 1 of the submissions does not count toward it. Last evaluated 2025-10-22.

Conditions:
SELENON-related disorder. Also called: SELENON-related condition.
SEPN1-related disorder. Also called: SEPN1-Related Disorders. Identifiers: MedGen CN239420.
Cleft lip/palate. Also called: Cleft lip and palate. Identifiers: Orphanet 199306, MedGen C0158646, MONDO:0016044.
Muscular dystrophy. Identifiers: Orphanet 98473, MedGen C0026850, MeSH D009136, MONDO:0020121, HP:0003560.
Inborn genetic diseases. Identifiers: MedGen C0950123, MeSH D030342.
Eichsfeld type congenital muscular dystrophy (CMYO3). Also called: Rigid spine muscular dystrophy 1; MYOPATHY, SEPN1-RELATED; SELENON-related myopathy; Congenital myopathy 3 with rigid spine. Identifiers: MedGen C0410180, MONDO:0100100, OMIM 602771.

Allele frequency attached by ClinVar (database versions not stated): gnomAD exomes 0.00005 and 0.00012; ExAC 0.00006; gnomAD 0.00006; TOPMed 0.00007.
gnomAD v4.1: 184 of 1,613,804 alleles (0.011%); highest among the groups gnomAD compares: Non-Finnish European, 0.014%; no homozygotes.

Submissions 1 to 9 of 17:

Labcorp Genetics (formerly Invitae), Labcorp
Classification: Pathogenic for Eichsfeld type congenital muscular dystrophy. Last evaluated: 2025-10-22. Review status: criteria provided, single submitter. Criteria: Invitae Variant Classification Sherloc (09022015). Collection method: clinical testing. Allele origin: germline.
Comment: This sequence change replaces arginine, which is basic and polar, with glutamine, which is neutral and polar, at codon 466 of the SELENON protein (p.Arg466Gln). This variant is present in population databases (rs121908185, gnomAD 0.009%). This missense change has been observed in individual(s) with congenital myopathy, multiminicore disease, and/or rigid spine syndrome (PMID: 11528383, 19067361, 23394784, 24988964; internal data). In at least one individual the data is consistent with being in trans (on the opposite chromosome) from a pathogenic variant. ClinVar contains an entry for this variant (Variation ID: 4492). Invitae Evidence Modeling of protein sequence and biophysical properties (such as structural, functional, and spatial information, amino acid conservation, physicochemical variation, residue mobility, and thermodynamic stability) indicates that this missense variant is expected to disrupt SELENON protein function with a positive predictive value of 95%. Experimental studies have shown that this missense change affects SELENON function (PMID: 18713863, 19067361). For these reasons, this variant has been classified as Pathogenic.

Ambry Genetics
Classification: Pathogenic for Inborn genetic diseases. Last evaluated: 2025-09-26. Review status: criteria provided, single submitter. Criteria: Ambry Variant Classification Scheme 2023. Collection method: clinical testing. Allele origin: germline.
Comment: The c.1397G>A (p.R466Q) alteration is located in exon 11 (coding exon 11) of the SEPN1 gene. This alteration results from a G to A substitution at nucleotide position 1397, causing the arginine (R) at amino acid position 466 to be replaced by a glutamine (Q). Based on data from gnomAD, the A allele has an overall frequency of 0.005% (15/280678) total alleles studied. The highest observed frequency was 0.009% (11/128492) of European (non-Finnish) alleles. This variant has been identified in the homozygous state and/or in conjunction with other SEPN1 variant(s) in individual(s) with features consistent with SEPN1-related myopathy; in at least one instance, the variants were identified in trans (Ferreiro, 2002; Scoto, 2011; Potulska-Chromik, 2021; Fan, 2022). This amino acid position is highly conserved in available vertebrate species. In an assay testing SEPN1 function, this variant showed a functionally abnormal result (Maiti, 2009). This alteration is predicted to be deleterious by in silico analysis. Based on the available evidence, this alteration is classified as pathogenic.

Variantyx, Inc.
Classification: Pathogenic for Eichsfeld type congenital muscular dystrophy. Last evaluated: 2025-09-25. Review status: criteria provided, single submitter. Criteria: Variantyx Assertion Criteria 2022. Collection method: clinical testing. Allele origin: germline. Inheritance: Autosomal recessive inheritance. Affected: no.
Comment: This is a nonsynonymous variant in the SELENON gene (OMIM: 606210). Pathogenic variants in this gene have been associated with autosomal recessive congenital myopathy 3 with rigid spine. This variant has been identified in the homozygous or compound heterozygous state in at least 5 individuals reported in the published literature (PMID: 33652732, 35368679, 18713863, 19067361) (PM3_Strong). Functional studies have shown that this variant alters SELENON protein function (PMID: 19067361) (PS3) and multiple computational algorithms predict a deleterious effect for this variant (REVEL score: 0.729) (PP3). This variant has a 0.0145% maximum allele frequency in non-founder control populations (PM2). Based on the current evidence, this variant is classified as pathogenic for autosomal recessive congenital myopathy 3 with rigid spine.No other variant of clinical significance was identified in the SELENON gene.

Revvity Omics, Revvity
Classification: Pathogenic for Eichsfeld type congenital muscular dystrophy. Last evaluated: 2024-11-20. Review status: criteria provided, single submitter. Criteria: ACMG Guidelines, 2015. Collection method: clinical testing. Allele origin: germline.

Fulgent Genetics
Classification: Pathogenic for Eichsfeld type congenital muscular dystrophy. Last evaluated: 2024-03-21. Review status: criteria provided, single submitter. Criteria: ACMG Guidelines, 2015. Collection method: clinical testing. Allele origin: germline.

Blueprint Genetics
Classification: Pathogenic for SELENON-related disorders. Last evaluated: 2024-01-30. Review status: criteria provided, single submitter. Criteria: ACMG Guidelines, 2015. Collection method: clinical testing. Allele origin: germline. Affected: yes. Observed: 4 variant alleles.

GeneDx
Classification: Pathogenic. Last evaluated: 2023-10-11. Review status: criteria provided, single submitter. Criteria: GeneDx Variant Classification Process June 2021. Collection method: clinical testing. Allele origin: germline. Affected: yes.
Comment: Western blot analysis showed that patients with the R466Q variant and another SELENON variant had significantly decreased levels of selenoprotein N as compared to wild type controls (Maiti et al., 2009); Not observed at significant frequency in large population cohorts (gnomAD); In silico analysis supports that this missense variant does not alter protein structure/function; This variant is associated with the following publications: (PMID: 35379322, 18713863, 12192640, 11528383, 17951086, 33726816, 30921636, 18313359, 24988964, 17365175, 12207930, 23394784, 33652732, 19067361, 35368679, 21670436)

Department of Pathology and Laboratory Medicine, Sinai Health System
Classification: Pathogenic for Eichsfeld type congenital muscular dystrophy. Last evaluated: 2023-09-25. Review status: criteria provided, single submitter. Criteria: ACMG Guidelines, 2015. Collection method: research. Allele origin: germline.

Women's Health and Genetics/Laboratory Corporation of America, LabCorp
Classification: Pathogenic for Eichsfeld type congenital muscular dystrophy. Last evaluated: 2023-06-30. Review status: criteria provided, single submitter. Criteria: LabCorp Variant Classification Summary - May 2015. Collection method: clinical testing. Allele origin: germline.
Comment: Variant summary: SELENON c.1397G>A (p.Arg466Gln) results in a conservative amino acid change in the encoded protein sequence. Three of five in-silico tools predict a benign effect of the variant on protein function. The variant allele was found at a frequency of 4.8e-05 in 249298 control chromosomes in gnomAD. This frequency is not significantly higher than estimated for a pathogenic variant in SELENON causing SEPN1-related myopathies (4.8e-05 vs 0.0011). c.1397G>A has been reported in the literature in multiple individuals affected with features of SEPN1-related myopathies (congenital muscular dystrophies (MDC) or congenital myopathies) either at a compound heterozygous state with a second pathogenic variant, or at a homozygous state (example: Moghadaszadeh_2001, Schara_2008, Scoto_2011, Potulska-Chromik_2021, Maiti_2009). At least two publications report experimental evidence evaluating an impact on protein function. The most pronounced variant effect results in absence of SELENON protein and functionally diminished capacity of ryanodine binding, which can be rescued by Zebrafish SELENON (Jurynec_2008). Maiti_2009 also suggest this variant weakens the secondary structure of the Selenocysteine Redefinition Element, reduces selenocysteine insertion efficiency and SELENON RNA levels. These data indicate that the variant is very likely to be associated with disease. The following publications have been ascertained in the context of this evaluation (PMID: 11528383, 33652732, 17951086, 21670436, 18713863, 17951086). Nine submitters have cited clinical-significance assessments for this variant to ClinVar after 2014 (pathogenic: n=8; likely pathogenic: n=1) Based on the evidence outlined above, the variant was classified as pathogenic.